The following is an entry in ClinVar:

NC_000010.10:g.(?_55698555)_(55698735_?)del

Gene: PCDH15 (protocadherin related 15; minus strand). Cytogenetic location: 10q21.1.
Variant type: Deletion.
Identifiers: ClinVar variation 2427097 (VCV002427097.3).

ClinVar aggregate classification (germline): Uncertain significance (1 of 4 stars; one submission).

Submission:

Labcorp Genetics (formerly Invitae), Labcorp
Classification: Uncertain significance. Last evaluated: 2022-03-26. Review status: criteria provided, single submitter. Criteria: Invitae Variant Classification Sherloc (09022015). Collection method: clinical testing. Allele origin: germline.
Comment: This variant is a gross deletion of the genomic region encompassing exon(s) 25 of the PCDH15 gene. This variant would be expected to be in-frame, preserving the integrity of the reading frame. This variant has not been reported in the literature in individuals affected with PCDH15-related conditions. Experimental studies and prediction algorithms are not available or were not evaluated, and the functional significance of this variant is currently unknown. In summary, the available evidence is currently insufficient to determine the role of this variant in disease. Therefore, it has been classified as a Variant of Uncertain Significance.